The following is an entry in ClinVar:

NM_001042492.3(NF1):c.6683A>G (p.Gln2228Arg)

Gene: NF1 (neurofibromin 1; plus strand). Cytogenetic location: 17q11.2.
Variant type: single nucleotide variant.
Coding change: c.6683A>G on transcript NM_001042492.3 (MANE Select); coding-DNA position 6683, A replaced by G.
Protein change: p.Gln2228Arg; replaces glutamine 2228 with arginine.
Molecular consequence: missense variant.
Genome position (GRCh38, 1-based): chr17:31,337,859, A>G. VCF-style: chr17-31337859-A-G. GRCh37 (hg19) VCF-style: chr17-29664877-A-G.
Other names: c.6620A>G, p.Gln2207Arg (NM_000267.4); short protein forms Q2207R, Q2228R.
Identifiers: ClinVar variation 1754524 (VCV001754524.5), dbSNP rs2151557488, ClinGen allele CA399013874.

ClinVar aggregate classification (germline): Uncertain significance. Review status: criteria provided, multiple submitters, no conflicts (2 of 4 stars). 3 submissions from 3 submitters: Uncertain significance (3). Last evaluated 2024-09-06.

Conditions:
Cardiovascular phenotype. Identifiers: MedGen CN230736.
Hereditary cancer-predisposing syndrome. Also called: Neoplastic Syndromes, Hereditary; Tumor predisposition; Hereditary neoplastic syndrome; Hereditary Cancer Syndrome. Identifiers: Orphanet 140162, MedGen C0027672, MeSH D009386, MONDO:0015356.
Neurofibromatosis, type 1 (NF1). Also called: Peripheral type neurofibromatosis; VON RECKLINGHAUSEN DISEASE; NEUROFIBROMATOSIS, TYPE I, SOMATIC; Neurofibromatosis, type I. Identifiers: Orphanet 636, MedGen C0027831, MONDO:0018975, OMIM 162200. Disease mechanism: loss of function.
Juvenile myelomonocytic leukemia (JMML). Also called: LEUKEMIA, JUVENILE MYELOMONOCYTIC, SOMATIC. Identifiers: Orphanet 86834, MedGen C0349639, MONDO:0011908, OMIM 607785, HP:0012209.

Submissions (3):

Labcorp Genetics (formerly Invitae), Labcorp
Classification: Uncertain significance for Neurofibromatosis, type 1. Last evaluated: 2024-09-06. Review status: criteria provided, single submitter. Criteria: Invitae Variant Classification Sherloc (09022015). Collection method: clinical testing. Allele origin: germline.
Comment: This sequence change replaces glutamine, which is neutral and polar, with arginine, which is basic and polar, at codon 2207 of the NF1 protein (p.Gln2207Arg). This variant is not present in population databases (gnomAD no frequency). This variant has not been reported in the literature in individuals affected with NF1-related conditions. ClinVar contains an entry for this variant (Variation ID: 1754524). Invitae Evidence Modeling of protein sequence and biophysical properties (such as structural, functional, and spatial information, amino acid conservation, physicochemical variation, residue mobility, and thermodynamic stability) indicates that this missense variant is not expected to disrupt NF1 protein function with a negative predictive value of 95%. In summary, the available evidence is currently insufficient to determine the role of this variant in disease. Therefore, it has been classified as a Variant of Uncertain Significance.

Baylor Genetics
Classification: Uncertain significance for Juvenile myelomonocytic leukemia. Last evaluated: 2023-08-11. Review status: criteria provided, single submitter. Criteria: ACMG Guidelines, 2015. Collection method: clinical testing. Allele origin: unknown.

Ambry Genetics
Classification: Uncertain significance for Cardiovascular phenotype; Hereditary cancer-predisposing syndrome. Last evaluated: 2020-03-19. Review status: criteria provided, single submitter. Criteria: Ambry Variant Classification Scheme 2023. Collection method: clinical testing. Allele origin: germline.
Comment: The p.Q2207R variant (also known as c.6620A>G), located in coding exon 43 of the NF1 gene, results from an A to G substitution at nucleotide position 6620. The glutamine at codon 2207 is replaced by arginine, an amino acid with highly similar properties. This amino acid position is highly conserved in available vertebrate species. In addition, this alteration is predicted to be deleterious by in silico analysis. Since supporting evidence is limited at this time, the clinical significance of this alteration remains unclear.